The following is an entry in ClinVar:

ClinVar aggregate classification (germline): Benign/Likely benign. Review status: criteria provided, multiple submitters, no conflicts (2 of 4 stars). 2 submissions from 2 submitters: Benign (1); Likely benign (1). Last evaluated 2024-05-14.

Conditions:
Arrhythmogenic right ventricular dysplasia 8 (ARVD8). Also called: Arrhythmogenic Right Ventricular Dysplasia/Cardiomyopathy 8; ARRHYTHMOGENIC RIGHT VENTRICULAR DYSPLASIA, FAMILIAL, 8; ARRHYTHMOGENIC RIGHT VENTRICULAR CARDIOMYOPATHY 8. Identifiers: MedGen C1843896, MONDO:0011831, OMIM 607450.
Arrhythmogenic cardiomyopathy with wooly hair and keratoderma. Also called: Arrhythmogenic cardiomyopathy with woolly hair and keratoderma; Carvajal syndrome; Dilated cardiomyopathy with woolly hair and keratoderma; PALMOPLANTAR KERATODERMA WITH LEFT VENTRICULAR CARDIOMYOPATHY AND WOOLLY HAIR. Identifiers: Orphanet 65282, MedGen C1854063, MONDO:0011581, OMIM 605676.

Allele frequency attached by ClinVar (database versions not stated): TOPMed below 0.00001; gnomAD 0.00001.
gnomAD v4.1: 3 of 1,614,096 alleles (0.00019%); highest among the groups gnomAD compares: Admixed American, 0.005%; no homozygotes.

Submissions (2):

All of Us Research Program, National Institutes of Health
Classification: Likely benign for Arrhythmogenic cardiomyopathy with wooly hair and keratoderma. Last evaluated: 2024-05-14. Review status: criteria provided, single submitter. Criteria: ACMG Guidelines, 2015. Collection method: clinical testing. Allele origin: germline. Inheritance: Autosomal dominant inheritance. Observed: 2 variant alleles, 2 heterozygotes.
Comment: This study involves interpretation of variants in research participants for the purpose of population health screening. Participant phenotype was not available at the time of variant classification. Additional details can be found in publication PMID: 35346344, PMCID: PMC8962531

Labcorp Genetics (formerly Invitae), Labcorp
Classification: Benign for Arrhythmogenic cardiomyopathy with wooly hair and keratoderma; Arrhythmogenic right ventricular dysplasia 8. Last evaluated: 2022-09-14. Review status: criteria provided, single submitter. Criteria: Invitae Variant Classification Sherloc (09022015). Collection method: clinical testing. Allele origin: germline.

NM_004415.4(DSP):c.7656C>G (p.Leu2552=)

Gene: DSP (desmoplakin; plus strand). Cytogenetic location: 6p24.3.
Variant type: single nucleotide variant.
Coding change: c.7656C>G on transcript NM_004415.4 (MANE Select); coding-DNA position 7656, C replaced by G.
Protein change: p.Leu2552=; no amino-acid change (leucine 2552 retained).
Molecular consequence: synonymous variant.
Genome position (GRCh38, 1-based): chr6:7,584,918, C>G. VCF-style: chr6-7584918-C-G. GRCh37 (hg19) VCF-style: chr6-7585151-C-G.
Other names: c.5859C>G, p.Leu1953= (NM_001008844.3); c.6327C>G, p.Leu2109= (NM_001319034.2).
Identifiers: ClinVar variation 1943866 (VCV001943866.6), dbSNP rs954061184, ClinGen allele CA133976376.